The following is an entry in ClinVar:

ClinVar aggregate classification (germline): Uncertain significance. Review status: criteria provided, multiple submitters, no conflicts (2 of 4 stars). 2 submissions from 2 submitters: Uncertain significance (2). Last evaluated 2025-06-12.

Conditions:
Autosomal dominant Alport syndrome (ATS3A). Also called: ALPORT SYNDROME 3A, AUTOSOMAL DOMINANT; Alport syndrome dominant type; Renal failure and sensorineural hearing loss. Identifiers: Orphanet 63, Orphanet 88918, MedGen C5882663, MONDO:0007086, OMIM 104200.
Autosomal recessive Alport syndrome (ATS2). Also called: COL4A4 Alport Syndrome and Thin Basement Membrane Nephropathy; ALPORT SYNDROME 2, AUTOSOMAL RECESSIVE; Alport syndrome type 2; COL4A3-Related Nephropathy. Identifiers: Orphanet 63, Orphanet 88919, MedGen C4746745, MONDO:0008762, OMIM 203780.
Benign familial hematuria. Also called: thin basement membrane disease. Identifiers: MedGen C0241908, MONDO:0957317.

Allele frequency attached by ClinVar (database versions not stated): gnomAD 0.00001; TOPMed 0.00002.
gnomAD v4.1: 3 of 1,522,548 alleles (0.0002%); highest among the groups gnomAD compares: African/African-American, 0.0028%; no homozygotes.

Submissions (2):

Labcorp Genetics (formerly Invitae), Labcorp
Classification: Uncertain significance. Last evaluated: 2025-06-12. Review status: criteria provided, single submitter. Criteria: Invitae Variant Classification Sherloc (09022015). Collection method: clinical testing. Allele origin: germline.
Comment: This sequence change replaces proline, which is neutral and non-polar, with arginine, which is basic and polar, at codon 15 of the COL4A3 protein (p.Pro15Arg). This variant is not present in population databases (gnomAD no frequency). This variant has not been reported in the literature in individuals affected with COL4A3-related conditions. ClinVar contains an entry for this variant (Variation ID: 1009633). Invitae Evidence Modeling of protein sequence and biophysical properties (such as structural, functional, and spatial information, amino acid conservation, physicochemical variation, residue mobility, and thermodynamic stability) indicates that this missense variant is not expected to disrupt COL4A3 protein function with a negative predictive value of 95%. In summary, the available evidence is currently insufficient to determine the role of this variant in disease. Therefore, it has been classified as a Variant of Uncertain Significance.

Fulgent Genetics
Classification: Uncertain significance for Autosomal dominant Alport syndrome; Hematuria, benign familial, 1; Autosomal recessive Alport syndrome. Last evaluated: 2022-03-01. Review status: criteria provided, single submitter. Criteria: ACMG Guidelines, 2015. Collection method: clinical testing. Allele origin: unknown.

NM_000091.5(COL4A3):c.44C>G (p.Pro15Arg)

Genes: COL4A3 (collagen type IV alpha 3 chain; plus strand), LOC129935730 (ATAC-STARR-seq lymphoblastoid silent region 12397; plus strand). Cytogenetic location: 2q36.3.
Variant type: single nucleotide variant.
Coding change: c.44C>G on transcript NM_000091.5 (MANE Select); coding-DNA position 44, C replaced by G.
Protein change: p.Pro15Arg; replaces proline 15 with arginine.
Molecular consequence: missense variant.
Genome position (GRCh38, 1-based): chr2:227,164,770, C>G. VCF-style: chr2-227164770-C-G. GRCh37 (hg19) VCF-style: chr2-228029486-C-G.
Other names: short protein forms P15R.
Identifiers: ClinVar variation 1009633 (VCV001009633.8), dbSNP rs1260966222, ClinGen allele CA350846071.